The following is an entry in ClinVar:

NM_005359.6(SMAD4):c.886_895del (p.Pro296fs)

Gene: SMAD4 (SMAD family member 4; plus strand). Cytogenetic location: 18q21.2.
Variant type: Deletion.
Coding change: c.886_895del on transcript NM_005359.6 (MANE Select); coding-DNA positions 886 to 895, 10 bases deleted (CCCCATCCCG; older notation c.886_895delCCCCATCCCG).
Protein change: p.Pro296fs; shifts the reading frame from proline 296.
Molecular consequence: frameshift variant.
Genome position (GRCh38, 1-based): chr18:51,058,438-51,058,447, CCCCATCCCG deleted; deleting any 10 consecutive bases within chr18:51,058,435-51,058,447 gives the same sequence; the c. name uses the placement nearest the transcript's 3' end. VCF-style (leftmost placement, unchanged base first): chr18-51058434-GCCGCCCCATC-G. GRCh37 (hg19) VCF-style: chr18-48584804-GCCGCCCCATC-G.
Other names: c.886_895delCCCCATCCCG (NM_005359.5); short protein forms P296fs.
Identifiers: ClinVar variation 224548 (VCV000224548.5), dbSNP rs869312781, ClinGen allele CA353499.

ClinVar aggregate classification (germline): Pathogenic. Review status: criteria provided, multiple submitters, no conflicts (2 of 4 stars). 2 submissions from 2 submitters: Pathogenic (2). Last evaluated 2015-11-20.

Conditions:
Hereditary cancer-predisposing syndrome. Also called: Tumor predisposition; Hereditary neoplastic syndrome; Neoplastic Syndromes, Hereditary; Hereditary Cancer Syndrome. Identifiers: Orphanet 140162, MedGen C0027672, MeSH D009386, MONDO:0015356.
Familial thoracic aortic aneurysm and aortic dissection (TAAD). Also called: Thoracic aortic aneurysms and dissections. Identifiers: Orphanet 91387, MedGen C4707243, MONDO:0019625.

Submissions (2):

University of Washington Department of Laboratory Medicine, University of Washington
Classification: Pathogenic for Hereditary cancer-predisposing syndrome. Last evaluated: 2015-11-20. Review status: criteria provided, single submitter. Criteria: Shirts et al. (Genet Med 2016). Collection method: clinical testing. Allele origin: germline. Affected: yes. Observed: 1 variant allele.

Ambry Genetics
Classification: Pathogenic for Hereditary cancer-predisposing syndrome; Familial thoracic aortic aneurysm and aortic dissection. Last evaluated: 2014-10-23. Review status: criteria provided, single submitter. Criteria: Ambry Variant Classification Scheme 2023. Collection method: clinical testing. Allele origin: germline.
Comment: The c.886_895del10 pathogenic mutation, located in coding exon 6 of the SMAD4 gene, results from a deletion of 10 nucleotides between nucleotide positions 886 and 895, causing a translational frameshift with a predicted alternate stop codon. Since frameshifts are typically deleterious in nature, this alteration is interpreted as a disease-causing mutation (ACMG Recommendations for Standards for Interpretation and Reporting of Sequence Variations. Revision 2007. Genet Med. 2008;10:294).